The following is an entry in ClinVar:

NM_001376.5(DYNC1H1):c.6405+5G>A

Gene: DYNC1H1 (dynein cytoplasmic 1 heavy chain 1; plus strand). Cytogenetic location: 14q32.31.
Variant type: single nucleotide variant.
Coding change: c.6405+5G>A on transcript NM_001376.5 (MANE Select); 5 bases into the intron after coding-DNA position 6405, G replaced by A.
Molecular consequence: intron variant.
Genome position (GRCh38, 1-based): chr14:102,010,464, G>A. VCF-style: chr14-102010464-G-A. GRCh37 (hg19) VCF-style: chr14-102476801-G-A.
Identifiers: ClinVar variation 1412851 (VCV001412851.7), dbSNP rs774226163, ClinGen allele CA7352598.

ClinVar aggregate classification (germline): Uncertain significance. Review status: criteria provided, multiple submitters, no conflicts (2 of 4 stars). 2 submissions from 2 submitters: Uncertain significance (2). Last evaluated 2026-07-01.

Conditions:
Charcot-Marie-Tooth disease axonal type 2O. Also called: CHARCOT-MARIE-TOOTH DISEASE, AXONAL, AUTOSOMAL DOMINANT, TYPE 2O; CHARCOT-MARIE-TOOTH NEUROPATHY, AXONAL, TYPE 2O; Charcot-Marie-Tooth disease, axonal, type 20; Charcot-Marie-Tooth Neuropathy Type 2O. Identifiers: Orphanet 284232, MedGen C3280220, MONDO:0013644, OMIM 614228.

Allele frequency attached by ClinVar (database versions not stated): ExAC 0.00001; gnomAD 0.00001; TOPMed 0.00001; gnomAD exomes below 0.00001.
gnomAD v4.1: 5 of 1,613,650 alleles (0.00031%); highest among the groups gnomAD compares: East Asian, 0.0022%; no homozygotes.

Submissions (2):

CeGaT Center for Human Genetics Tuebingen
Classification: Uncertain significance. Last evaluated: 2026-07-01. Review status: criteria provided, single submitter. Criteria: CeGaT Center For Human Genetics Tuebingen Variant Classification Criteria Version 2. Collection method: clinical testing. Allele origin: germline. Affected: yes. Observed: 1 variant allele.
Comment: DYNC1H1: PM2, BP4

Labcorp Genetics (formerly Invitae), Labcorp
Classification: Uncertain significance for Charcot-Marie-Tooth disease axonal type 2O. Last evaluated: 2023-11-02. Review status: criteria provided, single submitter. Criteria: Invitae Variant Classification Sherloc (09022015). Collection method: clinical testing. Allele origin: germline.
Comment: This sequence change falls in intron 31 of the DYNC1H1 gene. It does not directly change the encoded amino acid sequence of the DYNC1H1 protein. It affects a nucleotide within the consensus splice site. The frequency data for this variant in the population databases is considered unreliable, as metrics indicate poor data quality at this position in the gnomAD database. This variant has not been reported in the literature in individuals affected with DYNC1H1-related conditions. ClinVar contains an entry for this variant (Variation ID: 1412851). Variants that disrupt the consensus splice site are a relatively common cause of aberrant splicing (PMID: 17576681, 9536098). Algorithms developed to predict the effect of sequence changes on RNA splicing suggest that this variant may disrupt the consensus splice site. In summary, the available evidence is currently insufficient to determine the role of this variant in disease. Therefore, it has been classified as a Variant of Uncertain Significance.

Literature cited by the submitters: PubMed 17576681 (cited by Labcorp Genetics (formerly Invitae), Labcorp); PubMed 9536098 (cited by Labcorp Genetics (formerly Invitae), Labcorp).